The following is an entry in ClinVar:

NM_000036.3(AMPD1):c.1709G>A (p.Arg570Gln)

Gene: AMPD1 (adenosine monophosphate deaminase 1; minus strand). Cytogenetic location: 1p13.2.
Variant type: single nucleotide variant.
Coding change: c.1709G>A on transcript NM_000036.3 (MANE Select); coding-DNA position 1709, G replaced by A.
Protein change: p.Arg570Gln; replaces arginine 570 with glutamine.
Molecular consequence: missense variant.
Genome position (GRCh38, 1-based): chr1:114,674,843, C>T on the plus strand (G>A on the coding strand, the complement: AMPD1 is on the minus strand). VCF-style: chr1-114674843-C-T. GRCh37 (hg19) VCF-style: chr1-115217464-C-T.
Other names: c.1697G>A, p.Arg566Gln (NM_001172626.2); short protein forms R566Q, R570Q.
Identifiers: ClinVar variation 1429754 (VCV001429754.8), dbSNP rs760410776, ClinGen allele CA1020035.

ClinVar aggregate classification (germline): Uncertain significance (1 of 4 stars; one submission).

Conditions:
Muscle AMP deaminase deficiency (MMDD). Also called: ADENOSINE MONOPHOSPHATE DEAMINASE-1 DEFICIENCY, MYOPATHY DUE TO; AMPD1 DEFICIENCY; Myoadenylate deaminase deficiency, myopathy due to; Adenosine monophosphate deaminase 1 deficiency; AMP deaminase 1 deficiency; Adenosine Monophosphate Deaminase 1. Identifiers: Orphanet 45, MedGen C3714933, MONDO:0014220, OMIM 615511.

Allele frequency attached by ClinVar (database versions not stated): ExAC 0.00001; gnomAD 0.00001; gnomAD exomes 0.00001; TOPMed 0.00001.
gnomAD v4.1: 6 of 1,613,850 alleles (0.00037%); highest among the groups gnomAD compares: South Asian, 0.0011%; no homozygotes.

Submission:

Labcorp Genetics (formerly Invitae), Labcorp
Classification: Uncertain significance for Muscle AMP deaminase deficiency. Last evaluated: 2022-10-04. Review status: criteria provided, single submitter. Criteria: Invitae Variant Classification Sherloc (09022015). Collection method: clinical testing. Allele origin: germline.
Comment: This sequence change replaces arginine, which is basic and polar, with glutamine, which is neutral and polar, at codon 603 of the AMPD1 protein (p.Arg603Gln). This variant is present in population databases (rs760410776, gnomAD 0.003%). This variant has not been reported in the literature in individuals affected with AMPD1-related conditions. ClinVar contains an entry for this variant (Variation ID: 1429754). Advanced modeling of protein sequence and biophysical properties (such as structural, functional, and spatial information, amino acid conservation, physicochemical variation, residue mobility, and thermodynamic stability) performed at Invitae indicates that this missense variant is expected to disrupt AMPD1 protein function. In summary, the available evidence is currently insufficient to determine the role of this variant in disease. Therefore, it has been classified as a Variant of Uncertain Significance.